The following is an entry in ClinVar:

NM_000143.4(FH):c.1301G>T (p.Cys434Phe)

Gene: FH (fumarate hydratase; minus strand). Cytogenetic location: 1q43.
Variant type: single nucleotide variant.
Coding change: c.1301G>T on transcript NM_000143.4 (MANE Select); coding-DNA position 1301, G replaced by T.
Protein change: p.Cys434Phe; replaces cysteine 434 with phenylalanine.
Molecular consequence: missense variant.
Genome position (GRCh38, 1-based): chr1:241,500,526, C>A on the plus strand (G>T on the coding strand, the complement: FH is on the minus strand). VCF-style: chr1-241500526-C-A. GRCh37 (hg19) VCF-style: chr1-241663826-C-A.
Other names: short protein forms C434F.
Identifiers: ClinVar variation 3719052 (VCV003719052.2).

ClinVar aggregate classification (germline): Likely pathogenic (1 of 4 stars; one submission).

Submission:

Labcorp Genetics (formerly Invitae), Labcorp
Classification: Likely pathogenic. Last evaluated: 2025-09-08. Review status: criteria provided, single submitter. Criteria: Invitae Variant Classification Sherloc (09022015). Collection method: clinical testing. Allele origin: germline.
Comment: This sequence change replaces cysteine, which is neutral and slightly polar, with phenylalanine, which is neutral and non-polar, at codon 434 of the FH protein (p.Cys434Phe). This variant is not present in population databases (gnomAD no frequency). This variant has not been reported in the literature in individuals affected with FH-related conditions. ClinVar contains an entry for this variant (Variation ID: 3719052). Invitae Evidence Modeling of protein sequence and biophysical properties (such as structural, functional, and spatial information, amino acid conservation, physicochemical variation, residue mobility, and thermodynamic stability) indicates that this missense variant is expected to disrupt FH protein function with a positive predictive value of 95%. This variant disrupts the p.Cys434 amino acid residue in FH. Other variant(s) that disrupt this residue have been determined to be pathogenic (PMID: 25004247; internal data). This suggests that this residue is clinically significant, and that variants that disrupt this residue are likely to be disease-causing. In summary, the currently available evidence indicates that the variant is pathogenic, but additional data are needed to prove that conclusively. Therefore, this variant has been classified as Likely Pathogenic.

Literature cited by the submitters: PubMed 25004247.